The following is an entry in ClinVar:

ClinVar aggregate classification (germline): Uncertain significance (1 of 4 stars; one submission).

Allele frequency attached by ClinVar (database versions not stated): gnomAD 0.00001; TOPMed 0.00002.

Submission:

Labcorp Genetics (formerly Invitae), Labcorp
Classification: Uncertain significance. Last evaluated: 2024-04-10. Review status: criteria provided, single submitter. Criteria: Invitae Variant Classification Sherloc (09022015). Collection method: clinical testing. Allele origin: germline.
Comment: This sequence change affects the initiator methionine of the RBFOX2 mRNA. The next in-frame methionine is located at codon 22. The frequency data for this variant in the population databases is considered unreliable, as metrics indicate insufficient coverage at this position in the gnomAD database. This variant has not been reported in the literature in individuals affected with RBFOX2-related conditions. Experimental studies and prediction algorithms are not available or were not evaluated, and the functional significance of this variant is currently unknown. In summary, the available evidence is currently insufficient to determine the role of this variant in disease. Therefore, it has been classified as a Variant of Uncertain Significance.

NM_001349999.2(RBFOX2):c.1A>G (p.Met1Val)

Gene: RBFOX2 (RNA binding fox-1 homolog 2; minus strand). Cytogenetic location: 22q12.3.
Variant type: single nucleotide variant.
Coding change: c.1A>G on transcript NM_001349999.2 (MANE Select); coding-DNA position 1, A replaced by G.
Protein change: p.Met1Val; changes the start codon (methionine 1).
Molecular consequence: missense variant, initiator codon variant.
Genome position (GRCh38, 1-based): chr22:36,028,425, T>C on the plus strand (A>G on the coding strand, the complement: RBFOX2 is on the minus strand). VCF-style: chr22-36028425-T-C. GRCh37 (hg19) VCF-style: chr22-36424473-T-C.
Other names: c.1A>G, p.Met1Val (NM_001082578.4, NM_001082579.3, NM_001394108.1 and 7 more transcripts); short protein forms M1V.
Identifiers: ClinVar variation 2989652 (VCV002989652.3), dbSNP rs1167778116, ClinGen allele CA411548632.